The following is an entry in ClinVar:

ClinVar aggregate classification (germline): Uncertain significance (1 of 4 stars; one submission).

Submission:

Labcorp Genetics (formerly Invitae), Labcorp
Classification: Uncertain significance. Last evaluated: 2021-06-17. Review status: criteria provided, single submitter. Criteria: Invitae Variant Classification Sherloc (09022015). Collection method: clinical testing. Allele origin: germline.
Comment: This sequence change replaces serine with alanine at codon 1627 of the COL11A2 protein (p.Ser1627Ala). The serine residue is highly conserved and there is a moderate physicochemical difference between serine and alanine. The frequency data for this variant in the population databases is considered unreliable, as metrics indicate insufficient coverage at this position in the ExAC database. This variant has not been reported in the literature in individuals with COL11A2-related conditions. Advanced modeling of protein sequence and biophysical properties (such as structural, functional, and spatial information, amino acid conservation, physicochemical variation, residue mobility, and thermodynamic stability) performed at Invitae indicates that this missense variant is not expected to disrupt COL11A2 protein function. In summary, the available evidence is currently insufficient to determine the role of this variant in disease. Therefore, it has been classified as a Variant of Uncertain Significance.

NM_080680.3(COL11A2):c.4879T>G (p.Ser1627Ala)

Gene: COL11A2 (collagen type XI alpha 2 chain; minus strand). Cytogenetic location: 6p21.32.
Variant type: single nucleotide variant.
Coding change: c.4879T>G on transcript NM_080680.3 (MANE Select); coding-DNA position 4879, T replaced by G.
Protein change: p.Ser1627Ala; replaces serine 1627 with alanine.
Molecular consequence: missense variant.
Genome position (GRCh38, 1-based): chr6:33,164,458, A>C on the plus strand (T>G on the coding strand, the complement: COL11A2 is on the minus strand). VCF-style: chr6-33164458-A-C. GRCh37 (hg19) VCF-style: chr6-33132235-A-C.
Other names: c.4558T>G, p.Ser1520Ala (NM_080679.3); c.4621T>G, p.Ser1541Ala (NM_080681.3); short protein forms S1541A, S1520A, S1627A.
Identifiers: ClinVar variation 1357906 (VCV001357906.8), dbSNP rs2150511349, ClinGen allele CA363616607.
Genomic context (GRCh38, chr6:33,164,458, plus strand): 5'-CTGAGACGCTGAGCAGCCGCAGGAAGGTGAGCTGGACCACACCCACTGGGGAGCCCTCTG[A>C]GTCCACGTAAGAGAACTGGAAGGAGAGAGAGGGCTGGCCTCAGAGGGGGAGAGAGAGGGC-3'
Protein context (NP_542411.2, residues 1617-1637): DDVTQFSYVD[Ser1627Ala]EGSPVGVVQL